The following is an entry in ClinVar:

ClinVar aggregate classification (germline): Conflicting classifications of pathogenicity. Review status: criteria provided, conflicting classifications (1 of 4 stars). 4 submissions from 4 submitters: Likely pathogenic (2); Uncertain significance (2). Last evaluated 2025-01-09.

Conditions:
Episodic kinesigenic dyskinesia (EKD). Also called: Paroxysmal kinesigenic dyskinesia. Identifiers: Orphanet 98809, MedGen C1868682, MONDO:0044202.

Allele frequency attached by ClinVar (database versions not stated): gnomAD exomes 0.00001.

Submissions (4):

Dasa
Classification: Likely pathogenic. Last evaluated: 2025-01-09. Review status: criteria provided, single submitter. Criteria: DASA Assertion Criteria. Collection method: clinical testing. Allele origin: germline.
Comment: NM_145239.3(PRRT2):c.884G>A (p.Arg295Gln) is a missense variant that results in the substitution of arginine with glutamine. This variant has been reported in individuals with PRRT2-related disorders. Functional evidence supports an impact on the gene or gene product (PMID: 37271286). Also, this variant is rare in population databases. Computational evidence supports a deleterious effect. Based on the currently available evidence, this variant is classified as likely pathogenic.

Revvity Omics, Revvity
Classification: Uncertain significance. Last evaluated: 2024-08-22. Review status: criteria provided, single submitter. Criteria: ACMG Guidelines, 2015. Collection method: clinical testing. Allele origin: germline.

Labcorp Genetics (formerly Invitae), Labcorp
Classification: Likely pathogenic for Episodic kinesigenic dyskinesia. Last evaluated: 2024-07-11. Review status: criteria provided, single submitter. Criteria: Invitae Variant Classification Sherloc (09022015). Collection method: clinical testing. Allele origin: germline.
Comment: This sequence change replaces arginine, which is basic and polar, with glutamine, which is neutral and polar, at codon 295 of the PRRT2 protein (p.Arg295Gln). This variant is not present in population databases (gnomAD no frequency). This missense change has been observed in individuals with clinical features of PRRT2-related conditions (PMID: 23299620; Invitae). ClinVar contains an entry for this variant (Variation ID: 570056). Advanced modeling of protein sequence and biophysical properties (such as structural, functional, and spatial information, amino acid conservation, physicochemical variation, residue mobility, and thermodynamic stability) has been performed at Invitae for this missense variant, however the output from this modeling did not meet the statistical confidence thresholds required to predict the impact of this variant on PRRT2 protein function. Experimental studies have shown that this missense change affects PRRT2 function (PMID: 30980674). This variant disrupts the p.Arg295 amino acid residue in PRRT2. Other variant(s) that disrupt this residue have been observed in individuals with PRRT2-related conditions (PMID: 23299620, 30392205, 31901402), which suggests that this may be a clinically significant amino acid residue. In summary, the currently available evidence indicates that the variant is pathogenic, but additional data are needed to prove that conclusively. Therefore, this variant has been classified as Likely Pathogenic.

GeneDx
Classification: Uncertain significance. Last evaluated: 2020-04-23. Review status: criteria provided, single submitter. Criteria: GeneDx Variant Classification Process June 2021. Collection method: clinical testing. Allele origin: germline. Affected: yes.
Comment: In silico analysis supports that this missense variant does not alter protein structure/function; No data available from control populations to assess the frequency of this variant; Published functional studies demonstrate that R295Q exhibits reduced protein expression levels and mislocalization compared to wild-type but the degree of impact was not reliably replicated from one experiment to another (Tsai et al., 2019; Zhao et al., 2019); This variant is associated with the following publications: (PMID: 31124310, 30980674, 23299620, 26598494)

Literature cited by the submitters: PubMed 23299620 (cited by Dasa and Labcorp Genetics (formerly Invitae), Labcorp); PubMed 30980674 (cited by Dasa and Labcorp Genetics (formerly Invitae), Labcorp); PubMed 37271286 (cited by Dasa); PubMed 30392205 (cited by Labcorp Genetics (formerly Invitae), Labcorp); PubMed 31901402 (cited by Labcorp Genetics (formerly Invitae), Labcorp).

NM_145239.3(PRRT2):c.884G>A (p.Arg295Gln)

Genes: MVP-DT (MVP divergent transcript; minus strand), PRRT2 (proline rich transmembrane protein 2; plus strand). Cytogenetic location: 16p11.2.
Variant type: single nucleotide variant.
Coding change: c.884G>A on transcript NM_145239.3 (MANE Select); coding-DNA position 884, G replaced by A.
Protein change: p.Arg295Gln; replaces arginine 295 with glutamine.
Molecular consequence: missense variant. On other transcripts: 3 prime UTR variant (1).
Genome position (GRCh38, 1-based): chr16:29,814,337, G>A. VCF-style: chr16-29814337-G-A. GRCh37 (hg19) VCF-style: chr16-29825658-G-A.
Other names: c.884G>A, p.Arg295Gln (NM_001256442.2); c.*383G>A (NM_001256443.2); short protein forms R295Q.
Identifiers: ClinVar variation 570056 (VCV000570056.13), dbSNP rs1468206811, ClinGen allele CA395480467.
Genomic context (GRCh38, chr16:29,814,337, plus strand): 5'-TGGGCTGGCTTCTCCTGACCCCGGCTATGTGCCTCCACCCCTCGCCCTAACCCCAGTCCC[G>A]GAACAGCCTGCAGCAGGGGGACGTGGACGGGGCCCAGCGTCTGGGCCGGGTAGCCAAGCT-3'
Protein context (NP_660282.2, residues 285-305): IVAFAYAVMS[Arg295Gln]NSLQQGDVDG